The following is an entry in ClinVar:

ClinVar aggregate classification (germline): Benign/Likely benign. Review status: criteria provided, multiple submitters, no conflicts (2 of 4 stars). 3 submissions from 3 submitters: Benign (1); Likely benign (2). Last evaluated 2025-08-05.

Conditions:
Occult macular dystrophy (OCMD). Also called: OCCULT MACULAR DYSTROPHY, SUSCEPTIBILITY TO; OMD. Identifiers: Orphanet 247834, MedGen C3150833, MONDO:0013316, OMIM 613587, HP:0030636.
RP1L1-related disorder. Also called: RP1L1-related condition.

Allele frequency attached by ClinVar (database versions not stated): gnomAD exomes 0.00004 and 0.00012; gnomAD 0.00006; TOPMed 0.00006; ExAC 0.00010.
gnomAD v4.1: 74 of 1,612,858 alleles (0.0046%); highest among the groups gnomAD compares: Admixed American, 0.035%; no homozygotes.

Submissions (3):

PreventionGenetics, part of Exact Sciences
Classification: Likely benign for RP1L1-related condition. Last evaluated: 2025-08-05. Review status: criteria provided, single submitter. Criteria: ACMG Guidelines, 2015. Collection method: clinical testing. Allele origin: germline.
Comment: This variant is classified as likely benign based on ACMG/AMP sequence variant interpretation guidelines (Richards et al. 2015 PMID: 25741868, with internal and published modifications).

Blueprint Genetics
Classification: Likely benign. Last evaluated: 2022-07-27. Review status: criteria provided, single submitter. Criteria: ACMG Guidelines, 2015. Collection method: clinical testing. Allele origin: germline.

Illumina Laboratory Services, Illumina
Classification: Benign for Occult macular dystrophy. Last evaluated: 2018-01-12. Review status: criteria provided, single submitter. Criteria: ICSL Variant Classification Criteria 13 December 2019. Collection method: clinical testing. Allele origin: germline.
Comment: This variant was observed in the ICSL laboratory as part of a predisposition screen in an ostensibly healthy population. It had not been previously curated by ICSL or reported in the Human Gene Mutation Database (HGMD: prior to June 1st, 2018), and was therefore a candidate for classification through an automated scoring system. Utilizing variant allele frequency, disease prevalence and penetrance estimates, and inheritance mode, an automated score was calculated to assess if this variant is too frequent to cause the disease. Based on the score and internal cut-off values, a variant classified as benign is not then subjected to further curation. The score for this variant resulted in a classification of benign for this disease.

NM_178857.6(RP1L1):c.2928G>A (p.Ala976=)

Gene: RP1L1 (RP1 like 1). Cytogenetic location: 8p23.1.
Variant type: single nucleotide variant.
Coding change: c.2928G>A on transcript NM_178857.6 (MANE Select); coding-DNA position 2928, G replaced by A.
Protein change: p.Ala976=; no amino-acid change (alanine 976 retained).
Molecular consequence: synonymous variant.
Genome position (GRCh38, 1-based): chr8:10,611,170, C>T on the plus strand (G>A on the coding strand, the complement: RP1L1 is on the minus strand). VCF-style: chr8-10611170-C-T. GRCh37 (hg19) VCF-style: chr8-10468680-C-T.
Identifiers: ClinVar variation 361327 (VCV000361327.7), dbSNP rs770072844, ClinGen allele CA4624652.